The following is an entry in ClinVar:

ClinVar aggregate classification (germline): Uncertain significance. Review status: criteria provided, multiple submitters, no conflicts (2 of 4 stars). 3 submissions from 3 submitters: Uncertain significance (3). Last evaluated 2026-04-09.

Conditions:
MRTFA-related disorder. Also called: MRTFA-related condition.

Allele frequency attached by ClinVar (database versions not stated): gnomAD exomes below 0.00001; TOPMed below 0.00001; gnomAD 0.00001; 1000 Genomes Project 30x 0.00016; 1000 Genomes Project 0.00020.
gnomAD v4.1: 7 of 1,613,914 alleles (0.00043%); highest among the groups gnomAD compares: East Asian, 0.011%; no homozygotes.

Submissions (3):

PreventionGenetics, part of Exact Sciences
Classification: Uncertain significance for MRTFA-related condition. Last evaluated: 2026-04-09. Review status: criteria provided, single submitter. Criteria: ACMG Guidelines, 2015. Collection method: clinical testing. Allele origin: germline.
Comment: The MRTFA c.1148A>G variant is predicted to result in the amino acid substitution p.Gln383Arg. To our knowledge, this variant has not been reported in the literature. This variant is reported in 0.0055% of alleles in individuals of East Asian descent in gnomAD. At this time, the clinical significance of this variant is uncertain due to the absence of conclusive functional and genetic evidence.

Labcorp Genetics (formerly Invitae), Labcorp
Classification: Uncertain significance. Last evaluated: 2025-09-15. Review status: criteria provided, single submitter. Criteria: Invitae Variant Classification Sherloc (09022015). Collection method: clinical testing. Allele origin: germline.
Comment: This sequence change replaces glutamine, which is neutral and polar, with arginine, which is basic and polar, at codon 383 of the MKL1 protein (p.Gln383Arg). This variant is not present in population databases (gnomAD no frequency). This variant has not been reported in the literature in individuals affected with MKL1-related conditions. ClinVar contains an entry for this variant (Variation ID: 1949810). An algorithm developed to predict the effect of missense changes on protein structure and function (PolyPhen-2) suggests that this variant is likely to be tolerated. In summary, the available evidence is currently insufficient to determine the role of this variant in disease. Therefore, it has been classified as a Variant of Uncertain Significance.

Blueprint Genetics
Classification: Uncertain significance. Last evaluated: 2022-10-26. Review status: criteria provided, single submitter. Criteria: ACMG Guidelines, 2015. Collection method: clinical testing. Allele origin: germline.

NM_020831.6(MRTFA):c.1448A>G (p.Gln483Arg)

Gene: MRTFA (myocardin related transcription factor A; minus strand). Cytogenetic location: 22q13.1.
Variant type: single nucleotide variant.
Coding change: c.1448A>G on transcript NM_020831.6 (MANE Select); coding-DNA position 1448, A replaced by G.
Protein change: p.Gln483Arg; replaces glutamine 483 with arginine.
Molecular consequence: missense variant.
Genome position (GRCh38, 1-based): chr22:40,419,290, T>C on the plus strand (A>G on the coding strand, the complement: MRTFA is on the minus strand). VCF-style: chr22-40419290-T-C. GRCh37 (hg19) VCF-style: chr22-40815294-T-C.
Other names: c.1148A>G, p.Gln383Arg (NM_001282660.2); c.1298A>G, p.Gln433Arg (NM_001282661.3); c.1448A>G, p.Gln483Arg (NM_001282662.3); c.1253A>G, p.Gln418Arg (NM_001318139.2); c.1148A>G (NM_020831.4); short protein forms Q418R, Q483R, Q383R, Q433R.
Identifiers: ClinVar variation 1949810 (VCV001949810.7), dbSNP rs201233806, ClinGen allele CA324468626.